The following is an entry in ClinVar:

ClinVar aggregate classification (germline): Likely benign. Review status: criteria provided, multiple submitters, no conflicts (2 of 4 stars). 2 submissions from 2 submitters: Likely benign (2). Last evaluated 2025-03-17.

Conditions:
Inborn genetic diseases. Identifiers: MedGen C0950123, MeSH D030342.

Allele frequency attached by ClinVar (database versions not stated): 1000 Genomes Project 30x 0.00406; ExAC 0.00160; gnomAD 0.00311.

Submissions (2):

Mayo Clinic Laboratories, Mayo Clinic
Classification: Likely benign. Last evaluated: 2025-03-17. Review status: criteria provided, single submitter. Criteria: ACMG Guidelines, 2015. Collection method: clinical testing. Allele origin: germline. Observed: 1 variant allele.
Comment: BS1, BP4_moderate

Ambry Genetics
Classification: Likely benign for Inborn genetic diseases. Last evaluated: 2021-10-12. Review status: criteria provided, single submitter. Criteria: Ambry Variant Classification Scheme 2023. Collection method: clinical testing. Allele origin: germline.

NM_003104.6(SORD):c.844G>A (p.Val282Ile)

Gene: SORD (sorbitol dehydrogenase; plus strand). Cytogenetic location: 15q21.1.
Variant type: single nucleotide variant.
Coding change: c.844G>A on transcript NM_003104.6 (MANE Select); coding-DNA position 844, G replaced by A.
Protein change: p.Val282Ile; replaces valine 282 with isoleucine.
Molecular consequence: missense variant. On other transcripts: non-coding transcript variant (1).
Genome position (GRCh38, 1-based): chr15:45,072,374, G>A. VCF-style: chr15-45072374-G-A. GRCh37 (hg19) VCF-style: chr15-45364572-G-A.
Other names: p.Val282Ile; short protein forms V282I.
Identifiers: ClinVar variation 2377100 (VCV002377100.3), dbSNP rs776122314, ClinGen allele CA7537350.